The following is an entry in ClinVar:

NM_002397.5(MEF2C):c.387C>G (p.Ser129Arg)

Gene: MEF2C (myocyte enhancer factor 2C; minus strand). Cytogenetic location: 5q14.3.
Variant type: single nucleotide variant.
Coding change: c.387C>G on transcript NM_002397.5 (MANE Select); coding-DNA position 387, C replaced by G.
Protein change: p.Ser129Arg; replaces serine 129 with arginine.
Molecular consequence: missense variant. On other transcripts: intron variant (12).
Genome position (GRCh38, 1-based): chr5:88,761,200, G>C on the plus strand (C>G on the coding strand, the complement: MEF2C is on the minus strand). VCF-style: chr5-88761200-G-C. GRCh37 (hg19) VCF-style: chr5-88057017-G-C.
Other names: c.387C>G, p.Ser129Arg (NM_001193350.2, NM_001308002.3, NM_001363581.2 and 18 more transcripts); c.9C>G, p.Ser3Arg (NM_001364353.2, NM_001364356.2); c.259-9157C>G (NM_001364344.2, NM_001364354.2, NM_001364332.2 and 3 more transcripts); c.259-75C>G (NM_001131005.2, NM_001364352.2, NM_001364343.2); c.318+69C>G (NM_001193347.1, NM_001364338.2); c.-24-9157C>G (NM_001364357.2); short protein forms S129R, S3R.
Identifiers: ClinVar variation 1466608 (VCV001466608.8), dbSNP rs2152673311, ClinGen allele CA360424439.
Genomic context (GRCh38, chr5:88,761,200, plus strand): 5'-GAAATATCAAGAGTAAAAAAAATGAAGGGTGTTCTGAGTACTTACACACAATCTTTGCCT[G>C]CTGATCATTAGATCAATATCTTCGTTAATTTTCCTGTACTTGTCCTCAGACTCAGGGCTG-3'
Protein context (NP_002388.2, residues 119-139): KINEDIDLMI[Ser129Arg]RQRLCAVPPP

ClinVar aggregate classification (germline): Uncertain significance (1 of 4 stars; one submission).

Conditions:
Neurodevelopmental disorder with hypotonia, stereotypic hand movements, and impaired language. Also called: Intellectual disability, autosomal dominant 20. Identifiers: Orphanet 228384, Orphanet 664410, MedGen C3150700, MONDO:0013266, OMIM 613443.

Submission:

Labcorp Genetics (formerly Invitae), Labcorp
Classification: Uncertain significance for Neurodevelopmental disorder with hypotonia, stereotypic hand movements, and impaired language. Last evaluated: 2021-03-20. Review status: criteria provided, single submitter. Criteria: Invitae Variant Classification Sherloc (09022015). Collection method: clinical testing. Allele origin: germline.
Comment: In summary, the available evidence is currently insufficient to determine the role of this variant in disease. Therefore, it has been classified as a Variant of Uncertain Significance. Algorithms developed to predict the effect of missense changes on protein structure and function (SIFT, PolyPhen-2, Align-GVGD) all suggest that this variant is likely to be tolerated, but these predictions have not been confirmed by published functional studies and their clinical significance is uncertain. This variant has not been reported in the literature in individuals with MEF2C-related conditions. This variant is not present in population databases (ExAC no frequency). This sequence change replaces serine with arginine at codon 129 of the MEF2C protein (p.Ser129Arg). The serine residue is weakly conserved and there is a moderate physicochemical difference between serine and arginine.